The following is an entry in ClinVar:

NM_004958.4(MTOR):c.6810+3A>G

Gene: MTOR (mechanistic target of rapamycin kinase; minus strand). Cytogenetic location: 1p36.22.
Variant type: single nucleotide variant.
Coding change: c.6810+3A>G on transcript NM_004958.4 (MANE Select); 3 bases into the intron after coding-DNA position 6810, A replaced by G.
Molecular consequence: intron variant.
Genome position (GRCh38, 1-based): chr1:11,121,976, T>C on the plus strand (A>G on the coding strand, the complement: MTOR is on the minus strand). VCF-style: chr1-11121976-T-C. GRCh37 (hg19) VCF-style: chr1-11182033-T-C.
Identifiers: ClinVar variation 444153 (VCV000444153.50), dbSNP rs764947666, ClinGen allele CA589013.

ClinVar aggregate classification (germline): Uncertain significance. Review status: criteria provided, multiple submitters, no conflicts (2 of 4 stars). 2 submissions from 2 submitters: Uncertain significance (2). Last evaluated 2020-03-06.

Allele frequency attached by ClinVar (database versions not stated): gnomAD exomes 0.00001; ExAC 0.00003.
gnomAD v4.1: 3 of 1,613,946 alleles (0.00019%); highest among the groups gnomAD compares: Non-Finnish European, 0.00025%; no homozygotes.

Submissions (2):

Labcorp Genetics (formerly Invitae), Labcorp
Classification: Uncertain significance. Last evaluated: 2020-03-06. Review status: criteria provided, single submitter. Criteria: Invitae Variant Classification Sherloc (09022015). Collection method: clinical testing. Allele origin: germline.
Comment: In summary, the available evidence is currently insufficient to determine the role of this variant in disease. Therefore, it has been classified as a Variant of Uncertain Significance. Nucleotide substitutions within the consensus splice site are a relatively common cause of aberrant splicing (PMID: 17576681, 9536098). Algorithms developed to predict the effect of sequence changes on RNA splicing suggest that this variant may disrupt the consensus splice site, but this prediction has not been confirmed by published transcriptional studies. This variant has not been reported in the literature in individuals with MTOR-related conditions. ClinVar contains an entry for this variant (Variation ID: 444153). This variant is present in population databases (rs764947666, ExAC 0.005%). This sequence change falls in intron 48 of the MTOR gene. It does not directly change the encoded amino acid sequence of the MTOR protein, but it affects a nucleotide within the consensus splice site of the intron.

CeGaT Center for Human Genetics Tuebingen
Classification: Uncertain significance. Last evaluated: 2017-07-01. Review status: criteria provided, single submitter. Criteria: CeGaT Center For Human Genetics Tuebingen Variant Classification Criteria Version 2. Collection method: clinical testing. Allele origin: germline. Affected: yes. Observed: 2 variant alleles.

Literature cited by the submitters: PubMed 17576681 (cited by Labcorp Genetics (formerly Invitae), Labcorp); PubMed 9536098 (cited by Labcorp Genetics (formerly Invitae), Labcorp).